The following is an entry in ClinVar:

NM_152564.5(VPS13B):c.7683G>T (p.Lys2561Asn)

Gene: VPS13B (vacuolar protein sorting 13 homolog B; plus strand). Cytogenetic location: 8q22.2.
Variant type: single nucleotide variant.
Coding change: c.7683G>T on transcript NM_152564.5 (MANE Select); coding-DNA position 7683, G replaced by T.
Protein change: p.Lys2561Asn; replaces lysine 2561 with asparagine.
Molecular consequence: missense variant.
Genome position (GRCh38, 1-based): chr8:99,778,935, G>T. VCF-style: chr8-99778935-G-T. GRCh37 (hg19) VCF-style: chr8-100791163-G-T.
Other names: c.7758G>T, p.Lys2586Asn (NM_017890.5); short protein forms K2561N, K2586N.
Identifiers: ClinVar variation 1355872 (VCV001355872.6), dbSNP rs1205859728, ClinGen allele CA371876495.

ClinVar aggregate classification (germline): Uncertain significance (1 of 4 stars; one submission).

Conditions:
Cohen syndrome (COH1). Also called: PEPPER SYNDROME; Cutis verticis gyrata, retinitis pigmentosa, and sensorineural deafness. Identifiers: Orphanet 193, MedGen C0265223, MONDO:0008999, OMIM 216550.

Allele frequency attached by ClinVar (database versions not stated): gnomAD exomes below 0.00001.
gnomAD v4.1: 2 of 1,613,958 alleles (0.00012%); highest among the groups gnomAD compares: Non-Finnish European, 0.00017%; no homozygotes.

Submission:

Labcorp Genetics (formerly Invitae), Labcorp
Classification: Uncertain significance for Cohen syndrome. Last evaluated: 2021-05-21. Review status: criteria provided, single submitter. Criteria: Invitae Variant Classification Sherloc (09022015). Collection method: clinical testing. Allele origin: germline.
Comment: In summary, the available evidence is currently insufficient to determine the role of this variant in disease. Therefore, it has been classified as a Variant of Uncertain Significance. Algorithms developed to predict the effect of missense changes on protein structure and function are either unavailable or do not agree on the potential impact of this missense change (SIFT: "Not Available"; PolyPhen-2: "Benign"; Align-GVGD: "Not Available"). This variant has not been reported in the literature in individuals with VPS13B-related conditions. This variant is not present in population databases (ExAC no frequency). This sequence change replaces lysine with asparagine at codon 2586 of the VPS13B protein (p.Lys2586Asn). The lysine residue is weakly conserved and there is a moderate physicochemical difference between lysine and asparagine.